The following is an entry in ClinVar:

NM_001371596.2(MFSD8):c.77T>G (p.Leu26Ter)

Gene: MFSD8 (major facilitator superfamily domain containing 8; minus strand). Cytogenetic location: 4q28.2.
Variant type: single nucleotide variant.
Coding change: c.77T>G on transcript NM_001371596.2 (MANE Select); coding-DNA position 77, T replaced by G.
Protein change: p.Leu26Ter; replaces leucine 26 with a stop codon.
Molecular consequence: nonsense. On other transcripts: 5 prime UTR variant (1).
Genome position (GRCh38, 1-based): chr4:127,957,578, A>C on the plus strand (T>G on the coding strand, the complement: MFSD8 is on the minus strand). VCF-style: chr4-127957578-A-C. GRCh37 (hg19) VCF-style: chr4-128878733-A-C.
Other names: c.77T>G (NM_152778.3); c.77T>G, p.Leu26Ter (NM_001363520.3, NM_001363521.3, NM_001371591.2 and 5 more transcripts); c.-59T>G (NM_001371590.2, NM_001371595.1, NM_001410765.1); short protein forms L26*.
Identifiers: ClinVar variation 1373124 (VCV001373124.10), dbSNP rs760049336, ClinGen allele CA3077576.

ClinVar aggregate classification (germline): Pathogenic/Likely pathogenic. Review status: criteria provided, multiple submitters, no conflicts (2 of 4 stars). 2 submissions from 2 submitters: Pathogenic (1); Likely pathogenic (1). Last evaluated 2024-04-02.

Conditions:
Macular dystrophy with central cone involvement (CCMD). Identifiers: MedGen C4015371, MONDO:0014515, OMIM 616170.
Neuronal ceroid lipofuscinosis 7 (CLN7). Also called: MFSD8-Related Neuronal Ceroid-Lipofuscinosis. Identifiers: Orphanet 168491, Orphanet 228366, MedGen C1838571, MONDO:0012588, OMIM 610951.

Allele frequency attached by ClinVar (database versions not stated): gnomAD exomes below 0.00001 and 0.00001; ExAC 0.00001.
gnomAD v4.1: 1 of 1,609,994 alleles (0.000062%); highest among the groups gnomAD compares: Admixed American, 0.0017%; no homozygotes.

Submissions (2):

Fulgent Genetics
Classification: Likely pathogenic for Neuronal ceroid lipofuscinosis 7; Macular dystrophy with central cone involvement. Last evaluated: 2024-04-02. Review status: criteria provided, single submitter. Criteria: ACMG Guidelines, 2015. Collection method: clinical testing. Allele origin: germline.

Labcorp Genetics (formerly Invitae), Labcorp
Classification: Pathogenic for Neuronal ceroid lipofuscinosis 7. Last evaluated: 2022-02-10. Review status: criteria provided, single submitter. Criteria: Invitae Variant Classification Sherloc (09022015). Collection method: clinical testing. Allele origin: germline.
Comment: For these reasons, this variant has been classified as Pathogenic. This premature translational stop signal has been observed in individual(s) with MFSD8-related conditions (PMID: 30548430). This variant is present in population databases (rs760049336, gnomAD 0.003%). This sequence change creates a premature translational stop signal (p.Leu26*) in the MFSD8 gene. It is expected to result in an absent or disrupted protein product. Loss-of-function variants in MFSD8 are known to be pathogenic (PMID: 19177532, 25227500, 28586915).

Literature cited by the submitters: PubMed 30548430 (cited by Labcorp Genetics (formerly Invitae), Labcorp); PubMed 19177532 (cited by Labcorp Genetics (formerly Invitae), Labcorp); PubMed 25227500 (cited by Labcorp Genetics (formerly Invitae), Labcorp); PubMed 28586915 (cited by Labcorp Genetics (formerly Invitae), Labcorp).